The following is an entry in ClinVar:

ClinVar aggregate classification (germline): Uncertain significance (1 of 4 stars; one submission).

Conditions:
Hereditary cancer-predisposing syndrome. Also called: Neoplastic Syndromes, Hereditary; Tumor predisposition; Hereditary Cancer Syndrome; Hereditary neoplastic syndrome. Identifiers: Orphanet 140162, MedGen C0027672, MeSH D009386, MONDO:0015356.

Submission:

Ambry Genetics
Classification: Uncertain significance for Hereditary cancer-predisposing syndrome. Last evaluated: 2022-01-08. Review status: criteria provided, single submitter. Criteria: Ambry Variant Classification Scheme 2023. Collection method: clinical testing. Allele origin: germline.
Comment: The p.R527P variant (also known as c.1580G>C), located in coding exon 11 of the FLCN gene, results from a G to C substitution at nucleotide position 1580. The arginine at codon 527 is replaced by proline, an amino acid with dissimilar properties. This amino acid position is conserved. In addition, this alteration is predicted to be deleterious by in silico analysis. Since supporting evidence is limited at this time, the clinical significance of this alteration remains unclear.

NM_144997.7(FLCN):c.1580G>C (p.Arg527Pro)

Gene: FLCN (folliculin; minus strand). Cytogenetic location: 17p11.2.
Variant type: single nucleotide variant.
Coding change: c.1580G>C on transcript NM_144997.7 (MANE Select); coding-DNA position 1580, G replaced by C.
Protein change: p.Arg527Pro; replaces arginine 527 with proline.
Molecular consequence: missense variant.
Genome position (GRCh38, 1-based): chr17:17,213,815, C>G on the plus strand (G>C on the coding strand, the complement: FLCN is on the minus strand). VCF-style: chr17-17213815-C-G. GRCh37 (hg19) VCF-style: chr17-17117129-C-G.
Other names: c.1634G>C, p.Arg545Pro (NM_001353229.2); c.1580G>C, p.Arg527Pro (NM_001353230.2, NM_001353231.2); short protein forms R545P, R527P.
Identifiers: ClinVar variation 1775692 (VCV001775692.2), dbSNP rs777826268, ClinGen allele CA398530445.